The following is an entry in ClinVar:

NM_006767.4(LZTR1):c.1298A>G (p.Tyr433Cys)

Gene: LZTR1 (leucine zipper like post translational regulator 1; plus strand). Cytogenetic location: 22q11.21.
Variant type: single nucleotide variant.
Coding change: c.1298A>G on transcript NM_006767.4 (MANE Select); coding-DNA position 1298, A replaced by G.
Protein change: p.Tyr433Cys; replaces tyrosine 433 with cysteine.
Molecular consequence: missense variant.
Genome position (GRCh38, 1-based): chr22:20,993,699, A>G. VCF-style: chr22-20993699-A-G. GRCh37 (hg19) VCF-style: chr22-21347988-A-G.
Other names: short protein forms Y433C.
Identifiers: ClinVar variation 3238055 (VCV003238055.2), dbSNP rs2518619963.
Genomic context (GRCh38, chr22:20,993,699, plus strand): 5'-GTCTCACTGGGCCCCTCTTGCAGTTCTCCTGTTACCCTAAATGCACGCTGCACGAGGACT[A>G]CGGGCGGCTGTGGGAGAGCCGCCAGTTCTGCGACGTGGAGTTCGTGCTGGGTGAGGTGGG-3'
Protein context (NP_006758.2, residues 423-443): CYPKCTLHED[Tyr433Cys]GRLWESRQFC

ClinVar aggregate classification (germline): Uncertain significance. Review status: criteria provided, multiple submitters, no conflicts (2 of 4 stars). 2 submissions from 2 submitters: Uncertain significance (2). Last evaluated 2026-04-18.

Conditions:
Cardiovascular phenotype. Identifiers: MedGen CN230736.
Hereditary cancer-predisposing syndrome. Also called: Neoplastic Syndromes, Hereditary; Tumor predisposition; Hereditary Cancer Syndrome; Hereditary neoplastic syndrome. Identifiers: Orphanet 140162, MedGen C0027672, MeSH D009386, MONDO:0015356.
LZTR1-related schwannomatosis. Also called: Schwannomatosis 2; Schwannomatosis-2, susceptibility to. Identifiers: Orphanet 93921, MedGen C3810283, MONDO:0014299, OMIM 615670.

Submissions (2):

Helix
Classification: Uncertain significance for LZTR1-related schwannomatosis. Last evaluated: 2026-04-18. Review status: criteria provided, single submitter. Criteria: ACMG Guidelines, 2015. Collection method: clinical testing. Allele origin: germline. Inheritance: Autosomal dominant inheritance.
Comment: This variant (NM_006767.4:c.1298A>G p.Tyr433Cys) results in the substitution of tyrosine with cysteine at codon 433 in the LZTR1 protein. It is a rare variant that is absent from the large gnomAD population database (v4.1). To our knowledge, this variant has not been reported in individuals with LZTR1-related conditions in the published literature. In silico prediction from REVEL (PMID: 27666373) suggests that this variant may be deleterious. This variant is present in ClinVar (Accession: VCV003238055.1). In conclusion, since the available evidence is limited, the clinical significance of this variant is unclear at this time. Therefore, it is classified as a Variant of Uncertain Significance.

Ambry Genetics
Classification: Uncertain significance for Cardiovascular phenotype; Hereditary cancer-predisposing syndrome. Last evaluated: 2023-04-28. Review status: criteria provided, single submitter. Criteria: Ambry Variant Classification Scheme 2023. Collection method: clinical testing. Allele origin: germline.
Comment: The p.Y433C variant (also known as c.1298A>G), located in coding exon 12 of the LZTR1 gene, results from an A to G substitution at nucleotide position 1298. The tyrosine at codon 433 is replaced by cysteine, an amino acid with highly dissimilar properties. This amino acid position is conserved. In addition, this alteration is predicted to be deleterious by in silico analysis. Since supporting evidence is limited at this time, the clinical significance of this alteration remains unclear.